The following is an entry in ClinVar:

NC_000007.14:g.(?_117587719)_(117587867_?)del

Genes: CFTR (CF transmembrane conductance regulator; plus strand), LOC111674475 (CFTR intron 11 enhancer; plus strand). Cytogenetic location: 7q31.2.
Variant type: Deletion.
Identifiers: ClinVar variation 526028 (VCV000526028.1).

ClinVar aggregate classification (germline): Pathogenic (1 of 4 stars; one submission).

Conditions:
Cystic fibrosis (CF). Also called: MUCOVISCIDOSIS. Identifiers: Orphanet 586, MedGen C0010674, MONDO:0009061, OMIM 219700. Disease mechanism: loss of function.

Submission:

Labcorp Genetics (formerly Invitae), Labcorp
Classification: Pathogenic for Cystic fibrosis. Last evaluated: 2017-10-14. Review status: criteria provided, single submitter. Criteria: Invitae Variant Classification Sherloc (09022015). Collection method: clinical testing. Allele origin: germline.
Comment: This variant is an out-of-frame deletion of the genomic region encompassing exon 12 of the CFTR gene. This is expected to create a premature translational stop signal and result in an absent or disrupted protein product. A gross deletion encompassing exon 12 has been reported as in combination with another CFTR variant in an individual affected with cystic fibrosis (PMID: 26708955). Exon 12 is also known as exon 11 in the literature based on legacy nomenclature. Loss-of-function variants in CFTR are known to be pathogenic (PMID: 1695717, 7691345, 9725922). For these reasons, this variant has been classified as Pathogenic.

Literature cited by the submitters: PubMed 26708955.